The following is an entry in ClinVar:

NM_001080432.3(FTO):c.1017G>T (p.Gln339His)

Gene: FTO (FTO alpha-ketoglutarate dependent dioxygenase; plus strand). Cytogenetic location: 16q12.2.
Variant type: single nucleotide variant.
Coding change: c.1017G>T on transcript NM_001080432.3 (MANE Select); coding-DNA position 1017, G replaced by T.
Protein change: p.Gln339His; replaces glutamine 339 with histidine.
Molecular consequence: missense variant. On other transcripts: intron variant (2).
Genome position (GRCh38, 1-based): chr16:53,879,885, G>T. VCF-style: chr16-53879885-G-T. GRCh37 (hg19) VCF-style: chr16-53913797-G-T.
Other names: c.1047G>T, p.Gln349His (NM_001363891.2); c.1017G>T, p.Gln339His (NM_001363894.2, NM_001363896.2, NM_001363903.2 and 4 more transcripts); c.939G>T, p.Gln313His (NM_001363897.2); c.903G>T, p.Gln301His (NM_001363899.2); c.873G>T, p.Gln291His (NM_001363901.2); c.504G>T, p.Gln168His (NM_001363905.2); c.1005+6020G>T (NM_001363898.2); c.975+6020G>T (NM_001363900.2); short protein forms Q291H, Q168H, Q301H, Q313H, Q339H, Q349H.
Identifiers: ClinVar variation 1441899 (VCV001441899.4), dbSNP rs200895945, ClinGen allele CA8058508.
Genomic context (GRCh38, chr16:53,879,885, plus strand): 5'-GCTGGTTCTGTCTCAACAGTGCTCAACAGGAACCTTGGATTATATTTTACAACGCTGTCA[G>T]TTGGCTCTGCAGAATGTCTGTGACGATGTGGACAATGATGATGTCTCTTTGAAATCCTTT-3'
Protein context (NP_001073901.1, residues 329-349): GTLDYILQRC[Gln339His]LALQNVCDDV

ClinVar aggregate classification (germline): Uncertain significance. Review status: criteria provided, multiple submitters, no conflicts (2 of 4 stars). 2 submissions from 2 submitters: Uncertain significance (2). Last evaluated 2022-03-02.

Conditions:
Inborn genetic diseases. Identifiers: MedGen C0950123, MeSH D030342.

Allele frequency attached by ClinVar (database versions not stated): gnomAD 0.00012 and 0.00013; 1000 Genomes Project 30x 0.00016; TOPMed 0.00018; 1000 Genomes Project 0.00020; ExAC 0.00002; gnomAD exomes 0.00002 and 0.00003.
gnomAD v4.1: 73 of 1,613,900 alleles (0.0045%); highest among the groups gnomAD compares: Admixed American, 0.035%; no homozygotes.

Submissions (2):

Labcorp Genetics (formerly Invitae), Labcorp
Classification: Uncertain significance. Last evaluated: 2022-03-02. Review status: criteria provided, single submitter. Criteria: Invitae Variant Classification Sherloc (09022015). Collection method: clinical testing. Allele origin: germline.
Comment: This sequence change replaces glutamine, which is neutral and polar, with histidine, which is basic and polar, at codon 339 of the FTO protein (p.Gln339His). This variant is present in population databases (rs200895945, gnomAD 0.009%). This variant has not been reported in the literature in individuals affected with FTO-related conditions. Algorithms developed to predict the effect of missense changes on protein structure and function are either unavailable or do not agree on the potential impact of this missense change (SIFT: "Deleterious"; PolyPhen-2: "Benign"; Align-GVGD: "Class C0"). Algorithms developed to predict the effect of sequence changes on RNA splicing suggest that this variant may create or strengthen a splice site. In summary, the available evidence is currently insufficient to determine the role of this variant in disease. Therefore, it has been classified as a Variant of Uncertain Significance.

Ambry Genetics
Classification: Uncertain significance for Inborn genetic diseases. Last evaluated: 2021-05-21. Review status: criteria provided, single submitter. Criteria: Ambry Variant Classification Scheme 2023. Collection method: clinical testing. Allele origin: germline.